The following is an entry in ClinVar:

ClinVar aggregate classification (germline): Uncertain significance (1 of 4 stars; one submission).

Conditions:
Cardiovascular phenotype. Identifiers: MedGen CN230736.

gnomAD v4.1: 4 of 1,614,128 alleles (0.00025%); highest among the groups gnomAD compares: Non-Finnish European, 0.00034%; no homozygotes.

Submission:

Ambry Genetics
Classification: Uncertain significance for Cardiovascular phenotype. Last evaluated: 2022-11-04. Review status: criteria provided, single submitter. Criteria: Ambry Variant Classification Scheme 2023. Collection method: clinical testing. Allele origin: germline.
Comment: The p.A210E variant (also known as c.629C>A), located in coding exon 5 of the TBX5 gene, results from a C to A substitution at nucleotide position 629. The alanine at codon 210 is replaced by glutamic acid, an amino acid with dissimilar properties. This amino acid position is conserved. In addition, this alteration is predicted to be deleterious by in silico analysis. Since supporting evidence is limited at this time, the clinical significance of this alteration remains unclear.

NM_181486.4(TBX5):c.629C>A (p.Ala210Glu)

Gene: TBX5 (T-box transcription factor 5; minus strand). Cytogenetic location: 12q24.21.
Variant type: single nucleotide variant.
Coding change: c.629C>A on transcript NM_181486.4 (MANE Select); coding-DNA position 629, C replaced by A.
Protein change: p.Ala210Glu; replaces alanine 210 with glutamic acid.
Molecular consequence: missense variant.
Genome position (GRCh38, 1-based): chr12:114,394,775, G>T on the plus strand (C>A on the coding strand, the complement: TBX5 is on the minus strand). VCF-style: chr12-114394775-G-T. GRCh37 (hg19) VCF-style: chr12-114832580-G-T.
Other names: c.629C>A, p.Ala210Glu (NM_000192.3); c.479C>A, p.Ala160Glu (NM_080717.4); short protein forms A160E, A210E.
Identifiers: ClinVar variation 2448151 (VCV002448151.2), dbSNP rs2540466906, ClinGen allele CA386861357.